The following is an entry in ClinVar:

ClinVar aggregate classification (germline): Pathogenic (1 of 4 stars; one submission).

Conditions:
Rhabdoid tumor predisposition syndrome 2 (RTPS2). Identifiers: Orphanet 231108, Orphanet 69077, MedGen C2750074, MONDO:0013224, OMIM 613325.

Submission:

Labcorp Genetics (formerly Invitae), Labcorp
Classification: Pathogenic for Rhabdoid tumor predisposition syndrome 2. Last evaluated: 2018-11-20. Review status: criteria provided, single submitter. Criteria: Invitae Variant Classification Sherloc (09022015). Collection method: clinical testing. Allele origin: germline.
Comment: This sequence change creates a premature translational stop signal (p.Glu1612*) in the SMARCA4 gene. It is expected to result in an absent or disrupted protein product. This variant is not present in population databases (ExAC no frequency). For these reasons, this variant has been classified as Pathogenic. Loss-of-function variants in SMARCA4 are known to be pathogenic (PMID: 24658001, 24658002). This variant has not been reported in the literature in individuals with SMARCA4-related disease.

Literature cited by the submitters: PubMed 24658001; PubMed 24658002.

NM_003072.5(SMARCA4):c.4738G>T (p.Glu1580Ter)

Gene: SMARCA4 (SWI/SNF related BAF chromatin remodeling complex subunit ATPase 4; plus strand). Cytogenetic location: 19p13.2.
Variant type: single nucleotide variant.
Coding change: c.4738G>T on transcript NM_003072.5 (MANE Select); coding-DNA position 4738, G replaced by T.
Protein change: p.Glu1580Ter; replaces glutamic acid 1580 with a stop codon.
Molecular consequence: nonsense. On other transcripts: non-coding transcript variant (1).
Genome position (GRCh38, 1-based): chr19:11,059,855, G>T. VCF-style: chr19-11059855-G-T. GRCh37 (hg19) VCF-style: chr19-11170531-G-T.
Other names: c.4738G>T, p.Glu1580Ter (NM_001128844.3); c.4648G>T, p.Glu1550Ter (NM_001128845.2); c.4645G>T, p.Glu1549Ter (NM_001128846.2); c.4639G>T, p.Glu1547Ter (NM_001128847.4, NM_001374457.1); c.4636G>T, p.Glu1546Ter (NM_001128848.2); c.4834G>T, p.Glu1612Ter (NM_001128849.3, NM_001387283.1); short protein forms E1550*, E1547*, E1549*, E1612*, E1546*, E1580*.
Identifiers: ClinVar variation 664097 (VCV000664097.6), dbSNP rs1600644640, ClinGen allele CA404079702.
Genomic context (GRCh38, chr19:11,059,855, plus strand): 5'-GTGCGGCAGAAAATCGAGAAGGAGGATGACAGTGAAGGCGAGGAGAGTGAGGAGGAGGAA[G>T]AGGGCGAGGAGGAAGGCTCCGAATCCGAATGTGAGTCCCGGGGGGGTTCAGGACGCCGGG-3'